The following is an entry in ClinVar:

ClinVar aggregate classification (germline): Uncertain significance (0 of 4 stars; one submission).

Conditions:
STAG1-related disorder. Also called: STAG1-related disorders.

Submission:

PreventionGenetics, part of Exact Sciences
Classification: Uncertain significance for STAG1-related condition. Last evaluated: 2024-06-10. Review status: no assertion criteria provided. Collection method: clinical testing. Allele origin: germline.
Comment: The STAG1 c.2756G>T variant is predicted to result in the amino acid substitution p.Cys919Phe. To our knowledge, this variant has not been reported in the literature or in a large population database, indicating this variant is rare. Although we suspect that this variant may be pathogenic, at this time, the clinical significance of this variant is uncertain due to the absence of conclusive functional and genetic evidence.

NM_005862.3(STAG1):c.2756G>T (p.Cys919Phe)

Gene: STAG1 (STAG1 cohesin complex component; minus strand). Cytogenetic location: 3q22.3.
Variant type: single nucleotide variant.
Coding change: c.2756G>T on transcript NM_005862.3 (MANE Select); coding-DNA position 2756, G replaced by T.
Protein change: p.Cys919Phe; replaces cysteine 919 with phenylalanine.
Molecular consequence: missense variant.
Genome position (GRCh38, 1-based): chr3:136,363,397, C>A on the plus strand (G>T on the coding strand, the complement: STAG1 is on the minus strand). VCF-style: chr3-136363397-C-A. GRCh37 (hg19) VCF-style: chr3-136082239-C-A.
Other names: short protein forms C919F.
Identifiers: ClinVar variation 3346643 (VCV003346643.1).
Genomic context (GRCh38, chr3:136,363,397, plus strand): 5'-CTTTGTCTCCCTCTCTCCAAATTTCTTACCTGTTGCAAACTGAGAATGAGAGTCTTGGCA[C>A]ACTGAATTTTATCAATCTGCCTGGTTTTACTCAGTGTTTCCTTAATAATATCACCATAGT-3'
Protein context (NP_005853.2, residues 909-929): SKTRQIDKIQ[Cys919Phe]AKTLILSLQQ